The following is an entry in ClinVar:

ClinVar aggregate classification (germline): Pathogenic (1 of 4 stars; one submission).

Conditions:
Hereditary spastic paraplegia 50 (SPG50). Also called: Spastic paraplegia 50, autosomal recessive. Identifiers: Orphanet 280763, MedGen C2752008, MONDO:0013048, OMIM 612936.

Submission:

Labcorp Genetics (formerly Invitae), Labcorp
Classification: Pathogenic for Hereditary spastic paraplegia 50. Last evaluated: 2022-06-13. Review status: criteria provided, single submitter. Criteria: Invitae Variant Classification Sherloc (09022015). Collection method: clinical testing. Allele origin: germline.
Comment: This variant has not been reported in the literature in individuals affected with AP4M1-related conditions. For these reasons, this variant has been classified as Pathogenic. This variant is present in population databases (no rsID available, gnomAD 0.0009%). This sequence change creates a premature translational stop signal (p.Val259Glufs*6) in the AP4M1 gene. It is expected to result in an absent or disrupted protein product. Loss-of-function variants in AP4M1 are known to be pathogenic (PMID: 24700674, 25496299, 25558065).

Literature cited by the submitters: PubMed 24700674; PubMed 25496299; PubMed 25558065.

NM_004722.4(AP4M1):c.776_777del (p.Val259fs)

Gene: AP4M1 (adaptor related protein complex 4 subunit mu 1; plus strand). Cytogenetic location: 7q22.1.
Variant type: Microsatellite.
Coding change: c.776_777del on transcript NM_004722.4 (MANE Select); coding-DNA positions 776 to 777, 2 bases deleted (TG; older notation c.776_777delTG).
Protein change: p.Val259fs; shifts the reading frame from valine 259.
Molecular consequence: frameshift variant.
Genome position (GRCh38, 1-based): chr7:100,105,288-100,105,289, TG deleted; deleting any 2 consecutive bases within chr7:100,105,286-100,105,289 gives the same sequence; the c. name uses the placement nearest the transcript's 3' end. VCF-style (leftmost placement, unchanged base first): chr7-100105285-CTG-C. GRCh37 (hg19) VCF-style: chr7-99702908-CTG-C.
Other names: c.797_798del, p.Val266fs (NM_001363671.2); short protein forms V259fs, V266fs.
Identifiers: ClinVar variation 1457475 (VCV001457475.7), dbSNP rs1397027035, ClinGen allele CA576711349.